The following is an entry in ClinVar:

NM_000540.3(RYR1):c.10938-12T>C

Gene: RYR1 (ryanodine receptor 1; plus strand). Cytogenetic location: 19q13.2.
Variant type: single nucleotide variant.
Coding change: c.10938-12T>C on transcript NM_000540.3 (MANE Select); 12 bases into the intron before coding-DNA position 10938, T replaced by C.
Molecular consequence: intron variant.
Genome position (GRCh38, 1-based): chr19:38,528,587, T>C. VCF-style: chr19-38528587-T-C. GRCh37 (hg19) VCF-style: chr19-39019227-T-C.
Other names: c.10923-12T>C (NM_001042723.2).
Identifiers: ClinVar variation 2154462 (VCV002154462.5), dbSNP rs767711818, ClinGen allele CA055319.

ClinVar aggregate classification (germline): Likely benign. Review status: criteria provided, multiple submitters, no conflicts (2 of 4 stars). 3 submissions from 3 submitters: Likely benign (3). Last evaluated 2024-07-17.

Conditions:
RYR1-related disorder. Also called: RYR1-related disorders; RYR1-related condition. Identifiers: MedGen CN239331.
Malignant hyperthermia, susceptibility to, 1 (MHS1). Also called: Malignant hyperthermia suceptibility 1; Anesthesia related hyperthermia; Malignant hyperpyrexia; Fulminating hyperpyrexia; Pharmacogenic myopathy; RYR1-Related Malignant Hyperthermia Susceptibility. Identifiers: Orphanet 423, MedGen C2930980, MONDO:0007783, OMIM 145600.

gnomAD v4.1: 4 of 1,613,718 alleles (0.00025%); highest among the groups gnomAD compares: South Asian, 0.0011%; no homozygotes.

Submissions (3):

Labcorp Genetics (formerly Invitae), Labcorp
Classification: Likely benign for RYR1-related disorder. Last evaluated: 2024-07-17. Review status: criteria provided, single submitter. Criteria: Invitae Variant Classification Sherloc (09022015). Collection method: clinical testing. Allele origin: germline.

All of Us Research Program, National Institutes of Health
Classification: Likely benign for Malignant hyperthermia, susceptibility to, 1. Last evaluated: 2023-04-10. Review status: criteria provided, single submitter. Criteria: ACMG Guidelines, 2015. Collection method: clinical testing. Allele origin: germline. Inheritance: Autosomal dominant inheritance. Observed: 1 variant allele, 1 heterozygote.
Comment: This study involves interpretation of variants in research participants for the purpose of population health screening. Participant phenotype was not available at the time of variant classification. Additional details can be found in publication PMID: 35346344, PMCID: PMC8962531

Color Diagnostics, LLC DBA Color Health
Classification: Likely benign for Malignant hyperthermia, susceptibility to, 1. Last evaluated: 2022-12-22. Review status: criteria provided, single submitter. Criteria: ACMG Guidelines, 2015. Collection method: clinical testing. Allele origin: germline.